The following is an entry in ClinVar:

NM_001128840.3(CACNA1D):c.298A>G (p.Ser100Gly)

Gene: CACNA1D (calcium voltage-gated channel subunit alpha1 D; plus strand). Cytogenetic location: 3p21.1.
Variant type: single nucleotide variant.
Coding change: c.298A>G on transcript NM_001128840.3 (MANE Select); coding-DNA position 298, A replaced by G.
Protein change: p.Ser100Gly; replaces serine 100 with glycine.
Molecular consequence: missense variant.
Genome position (GRCh38, 1-based): chr3:53,497,382, A>G. VCF-style: chr3-53497382-A-G. GRCh37 (hg19) VCF-style: chr3-53531409-A-G.
Other names: c.298A>G, p.Ser100Gly (NM_000720.4, NM_001128839.3); c.298A>G (NM_000720.2); short protein forms S100G.
Identifiers: ClinVar variation 2907825 (VCV002907825.5), dbSNP rs2471510975, ClinGen allele CA353382171.
Genomic context (GRCh38, chr3:53,497,382, plus strand): 5'-CTCTCCCAAAGAAAACGTCAGCAATACGCCAAGAGCAAAAAACAGGGTAACTCGTCCAAC[A>G]GCCGACCTGCCCGCGCCCTTTTCTGTTTATCACTCAATAACCCCATCCGAAGAGCCTGCA-3'
Protein context (NP_001122312.1, residues 90-110): KSKKQGNSSN[Ser100Gly]RPARALFCLS

ClinVar aggregate classification (germline): Uncertain significance. Review status: criteria provided, multiple submitters, no conflicts (2 of 4 stars). 3 submissions from 3 submitters: Uncertain significance (3). Last evaluated 2026-04-16.

Allele frequency attached by ClinVar (database versions not stated): gnomAD exomes 0.00001.
gnomAD v4.1: 7 of 1,614,224 alleles (0.00043%); highest among the groups gnomAD compares: Non-Finnish European, 0.00059%; no homozygotes.

Submissions (3):

GeneDx
Classification: Uncertain significance. Last evaluated: 2026-04-16. Review status: criteria provided, single submitter. Criteria: GeneDx Variant Classification Process June 2021. Collection method: clinical testing. Allele origin: germline.
Comment: Not observed at significant frequency in large population cohorts (gnomAD); In silico analysis suggests that this missense variant does not alter protein structure/function; Has not been previously published as pathogenic or benign to our knowledge

Labcorp Genetics (formerly Invitae), Labcorp
Classification: Uncertain significance. Last evaluated: 2023-01-01. Review status: criteria provided, single submitter. Criteria: Invitae Variant Classification Sherloc (09022015). Collection method: clinical testing. Allele origin: germline.
Comment: In summary, the available evidence is currently insufficient to determine the role of this variant in disease. Therefore, it has been classified as a Variant of Uncertain Significance. Algorithms developed to predict the effect of missense changes on protein structure and function (SIFT, PolyPhen-2, Align-GVGD) all suggest that this variant is likely to be tolerated. This variant has not been reported in the literature in individuals affected with CACNA1D-related conditions. This variant is not present in population databases (gnomAD no frequency). This sequence change replaces serine, which is neutral and polar, with glycine, which is neutral and non-polar, at codon 100 of the CACNA1D protein (p.Ser100Gly).

Blueprint Genetics
Classification: Uncertain significance. Last evaluated: 2021-06-17. Review status: criteria provided, single submitter. Criteria: ACMG Guidelines, 2015. Collection method: clinical testing. Allele origin: germline.